The following is an entry in ClinVar:

ClinVar aggregate classification (germline): Uncertain significance (1 of 4 stars; one submission).

Allele frequency attached by ClinVar (database versions not stated): gnomAD exomes below 0.00001; ExAC 0.00001.
gnomAD v4.1: 1 of 1,614,096 alleles (0.000062%); highest among the groups gnomAD compares: Non-Finnish European, 0.000085%; no homozygotes.

Submission:

Labcorp Genetics (formerly Invitae), Labcorp
Classification: Uncertain significance. Last evaluated: 2023-09-30. Review status: criteria provided, single submitter. Criteria: Invitae Variant Classification Sherloc (09022015). Collection method: clinical testing. Allele origin: germline.
Comment: This sequence change replaces isoleucine, which is neutral and non-polar, with valine, which is neutral and non-polar, at codon 930 of the ATP2A2 protein (p.Ile930Val). This variant is present in population databases (rs754534600, gnomAD no frequency). This variant has not been reported in the literature in individuals affected with ATP2A2-related conditions. Advanced modeling of protein sequence and biophysical properties (such as structural, functional, and spatial information, amino acid conservation, physicochemical variation, residue mobility, and thermodynamic stability) performed at Invitae indicates that this missense variant is not expected to disrupt ATP2A2 protein function. In summary, the available evidence is currently insufficient to determine the role of this variant in disease. Therefore, it has been classified as a Variant of Uncertain Significance.

NM_170665.4(ATP2A2):c.2788A>G (p.Ile930Val)

Gene: ATP2A2 (ATPase sarcoplasmic/endoplasmic reticulum Ca2+ transporting 2; plus strand). Cytogenetic location: 12q24.11.
Variant type: single nucleotide variant.
Coding change: c.2788A>G on transcript NM_170665.4 (MANE Select); coding-DNA position 2788, A replaced by G.
Protein change: p.Ile930Val; replaces isoleucine 930 with valine.
Molecular consequence: missense variant.
Genome position (GRCh38, 1-based): chr12:110,346,047, A>G. VCF-style: chr12-110346047-A-G. GRCh37 (hg19) VCF-style: chr12-110783852-A-G.
Other names: c.2683A>G, p.Ile895Val (NM_001413013.1); c.2788A>G, p.Ile930Val (NM_001413014.1, NM_001681.4); c.2413A>G, p.Ile805Val (NM_001413015.1); short protein forms I805V, I895V, I930V.
Identifiers: ClinVar variation 2804532 (VCV002804532.3), dbSNP rs754534600, ClinGen allele CA6784220.